The following is an entry in ClinVar:

ClinVar aggregate classification (germline): Uncertain significance. Review status: criteria provided, multiple submitters, no conflicts (2 of 4 stars). 2 submissions from 2 submitters: Uncertain significance (2). Last evaluated 2025-09-19.

Conditions:
Hereditary nonpolyposis colorectal neoplasms. Identifiers: MedGen C0009405, MeSH D003123.
Hereditary cancer-predisposing syndrome. Also called: Neoplastic Syndromes, Hereditary; Tumor predisposition; Hereditary Cancer Syndrome; Hereditary neoplastic syndrome. Identifiers: Orphanet 140162, MedGen C0027672, MeSH D009386, MONDO:0015356.

Submissions (2):

Ambry Genetics
Classification: Uncertain significance for Hereditary cancer-predisposing syndrome. Last evaluated: 2025-09-19. Review status: criteria provided, single submitter. Criteria: Ambry Variant Classification Scheme 2023. Collection method: clinical testing. Allele origin: germline.
Comment: The p.E604D variant (also known as c.1812A>T), located in coding exon 4 of the MSH6 gene, results from an A to T substitution at nucleotide position 1812. The glutamic acid at codon 604 is replaced by aspartic acid, an amino acid with highly similar properties. This amino acid position is conserved. In addition, this alteration is predicted to be tolerated by in silico analysis. Based on the available evidence, the clinical significance of this variant remains unclear.

Labcorp Genetics (formerly Invitae), Labcorp
Classification: Uncertain significance for Hereditary nonpolyposis colorectal neoplasms. Last evaluated: 2025-06-23. Review status: criteria provided, single submitter. Criteria: Invitae Variant Classification Sherloc (09022015). Collection method: clinical testing. Allele origin: germline.
Comment: This sequence change replaces glutamic acid, which is acidic and polar, with aspartic acid, which is acidic and polar, at codon 604 of the MSH6 protein (p.Glu604Asp). This variant is not present in population databases (gnomAD no frequency). This variant has not been reported in the literature in individuals affected with MSH6-related conditions. Invitae Evidence Modeling of protein sequence and biophysical properties (such as structural, functional, and spatial information, amino acid conservation, physicochemical variation, residue mobility, and thermodynamic stability) indicates that this missense variant is not expected to disrupt MSH6 protein function with a negative predictive value of 95%. In summary, the available evidence is currently insufficient to determine the role of this variant in disease. Therefore, it has been classified as a Variant of Uncertain Significance.

NM_000179.3(MSH6):c.1812A>T (p.Glu604Asp)

Gene: MSH6 (mutS homolog 6; plus strand). Cytogenetic location: 2p16.3.
Variant type: single nucleotide variant.
Coding change: c.1812A>T on transcript NM_000179.3 (MANE Select); coding-DNA position 1812, A replaced by T.
Protein change: p.Glu604Asp; replaces glutamic acid 604 with aspartic acid.
Molecular consequence: missense variant. On other transcripts: non-coding transcript variant (4), intron variant (2).
Genome position (GRCh38, 1-based): chr2:47,799,795, A>T. VCF-style: chr2-47799795-A-T. GRCh37 (hg19) VCF-style: chr2-48026934-A-T.
Other names: c.1422A>T, p.Glu474Asp (NM_001281492.2); c.906A>T, p.Glu302Asp (NM_001281493.2, NM_001281494.2, NM_001406811.1 and 6 more transcripts); c.1908A>T, p.Glu636Asp (NM_001406795.1, NM_001406802.1); c.1812A>T, p.Glu604Asp (NM_001406796.1, NM_001406798.1, NM_001406800.1 and 3 more transcripts); c.1515A>T, p.Glu505Asp (NM_001406797.1, NM_001406801.1, NM_001406805.1 and 10 more transcripts); c.1287A>T, p.Glu429Asp (NM_001406799.1, NM_001406806.1, NM_001406807.1); c.1734A>T, p.Glu578Asp (NM_001406804.1); c.1818A>T, p.Glu606Asp (NM_001406813.1); and 3 more; short protein forms E578D, E604D, E302D, E474D, E606D, E505D, E636D, E429D.
Identifiers: ClinVar variation 4657399 (VCV004657399.2).
Genomic context (GRCh38, chr2:47,799,795, plus strand): 5'-TCTAGTGGCACACTATCCCCCAGTACAAGTTTTATTTGAAAAAGGAAATCTCTCAAAGGA[A>T]ACTAAAACAATTCTAAAGAGTTCATTGTCCTGTTCTCTTCAGGAAGGTCTGATACCCGGC-3'
Protein context (NP_000170.1, residues 594-614): VLFEKGNLSK[Glu604Asp]TKTILKSSLS